The following is an entry in ClinVar:

ClinVar aggregate classification (germline): Uncertain significance (1 of 4 stars; one submission).

Conditions:
GM1 gangliosidosis. Identifiers: Orphanet 354, MedGen C0085131, MONDO:0018149.
Mucopolysaccharidosis, MPS-IV-B (MPS4B). Also called: MORQUIO SYNDROME B; Mucopolysaccharidosis type IV B; Mucopolysaccharidosis Type IVB; Mucopolysaccharidosis type 4B; Mucopolysaccharidosis type IVB (Morquio); MPS IVB. Identifiers: Orphanet 309310, Orphanet 582, MedGen C0086652, MONDO:0009660, OMIM 253010.

Allele frequency attached by ClinVar (database versions not stated): TOPMed 0.00001.

Submission:

Labcorp Genetics (formerly Invitae), Labcorp
Classification: Uncertain significance for Mucopolysaccharidosis, MPS-IV-B; GM1 gangliosidosis. Last evaluated: 2024-12-09. Review status: criteria provided, single submitter. Criteria: Invitae Variant Classification Sherloc (09022015). Collection method: clinical testing. Allele origin: germline.
Comment: This sequence change replaces aspartic acid, which is acidic and polar, with histidine, which is basic and polar, at codon 198 of the GLB1 protein (p.Asp198His). This variant is not present in population databases (gnomAD no frequency). This variant has not been reported in the literature in individuals affected with GLB1-related conditions. ClinVar contains an entry for this variant (Variation ID: 2416124). Invitae Evidence Modeling of protein sequence and biophysical properties (such as structural, functional, and spatial information, amino acid conservation, physicochemical variation, residue mobility, and thermodynamic stability) has been performed for this missense variant. However, the output from this modeling did not meet the statistical confidence thresholds required to predict the impact of this variant on GLB1 protein function. In summary, the available evidence is currently insufficient to determine the role of this variant in disease. Therefore, it has been classified as a Variant of Uncertain Significance.

NM_000404.4(GLB1):c.592G>C (p.Asp198His)

Gene: GLB1 (galactosidase beta 1; minus strand). Cytogenetic location: 3p22.3.
Variant type: single nucleotide variant.
Coding change: c.592G>C on transcript NM_000404.4 (MANE Select); coding-DNA position 592, G replaced by C.
Protein change: p.Asp198His; replaces aspartic acid 198 with histidine.
Molecular consequence: missense variant. On other transcripts: intron variant (1).
Genome position (GRCh38, 1-based): chr3:33,058,230, C>G on the plus strand (G>C on the coding strand, the complement: GLB1 is on the minus strand). VCF-style: chr3-33058230-C-G. GRCh37 (hg19) VCF-style: chr3-33099722-C-G.
Other names: c.502G>C, p.Asp168His (NM_001079811.3); c.736G>C, p.Asp246His (NM_001317040.2); c.592G>C, p.Asp198His (NM_001393580.1); c.341-4681G>C (NM_001135602.3); short protein forms D168H, D198H, D246H.
Identifiers: ClinVar variation 2416124 (VCV002416124.5), dbSNP rs1699298916, ClinGen allele CA352004677.
Genomic context (GRCh38, chr3:33,058,230, plus strand): 5'-ACAGAACCACATCATCCCCCAGATGGTGGCGAAAGCGCTTCTGCAGGAAGCGCAGGTAGT[C>G]AAAATCACAGGCAAAGTAGCTGCCATATTCATTTTCAACCTGTGAGTGAAAAAAGAGCAG-3'
Protein context (NP_000395.3, residues 188-208): EYGSYFACDF[Asp198His]YLRFLQKRFR